The following is an entry in ClinVar:

ClinVar aggregate classification (germline): Uncertain significance. Review status: criteria provided, single submitter (1 of 4 stars). 2 submissions from 2 submitters: Uncertain significance (1). 1 of the submissions does not count toward it. Last evaluated 2019-06-03.

Conditions:
RYR2-related disorder. Also called: RYR2-related condition.
Cardiomyopathy (CMYO). Also called: Cardiomyopathies. Identifiers: Orphanet 167848, MedGen C0878544, MONDO:0004994, HP:0001638. Inheritance: Various modes of inheritance.

gnomAD v4.1: 3 of 1,613,456 alleles (0.00019%); no homozygotes.

Submissions (2):

Color Diagnostics, LLC DBA Color Health
Classification: Uncertain significance for Cardiomyopathy. Last evaluated: 2019-06-03. Review status: criteria provided, single submitter. Criteria: ACMG Guidelines, 2015. Collection method: clinical testing. Allele origin: germline.
Comment: This missense variant replaces serine with phenylalanine at codon 532 of the RYR2 protein. Computational prediction tools and conservation analyses are inconclusive regarding the impact of this variant on the protein function. Computational splicing tools suggest that this variant may not impact RNA splicing. To our knowledge, functional assays have not been performed for this variant nor has this variant been reported in individuals affected with cardiovascular disorders in the literature. This variant has not been identified in the general population by the Genome Aggregation Database (gnomAD). Available evidence is insufficient to determine the role of this variant in disease conclusively. Therefore, this variant is classified as a Variant of Uncertain Significance.

PreventionGenetics, part of Exact Sciences
Classification: Uncertain significance for RYR2-related condition. Last evaluated: 2024-04-29. Review status: no assertion criteria provided. Collection method: clinical testing. Allele origin: germline. Not counted in ClinVar's aggregate classification.
Comment: The RYR2 c.1595C>T variant is predicted to result in the amino acid substitution p.Ser532Phe. To our knowledge, this variant has not been reported in the literature or in a large population database, indicating this variant is rare. At this time, the clinical significance of this variant is uncertain due to the absence of conclusive functional and genetic evidence.

NM_001035.3(RYR2):c.1595C>T (p.Ser532Phe)

Gene: RYR2 (ryanodine receptor 2; plus strand). Cytogenetic location: 1q43.
Variant type: single nucleotide variant.
Coding change: c.1595C>T on transcript NM_001035.3 (MANE Select); coding-DNA position 1595, C replaced by T.
Protein change: p.Ser532Phe; replaces serine 532 with phenylalanine.
Molecular consequence: missense variant.
Genome position (GRCh38, 1-based): chr1:237,456,718, C>T. VCF-style: chr1-237456718-C-T. GRCh37 (hg19) VCF-style: chr1-237620018-C-T.
Other names: c.1595C>T (NM_001035.2); short protein forms S532F.
Identifiers: ClinVar variation 919040 (VCV000919040.4), dbSNP rs751116149, ClinGen allele CA345381938.